The following is an entry in ClinVar:

NM_002739.5(PRKCG):c.1747G>A (p.Val583Met)

Gene: PRKCG (protein kinase C gamma; plus strand). Cytogenetic location: 19q13.42.
Variant type: single nucleotide variant.
Coding change: c.1747G>A on transcript NM_002739.5 (MANE Select); coding-DNA position 1747, G replaced by A.
Protein change: p.Val583Met; replaces valine 583 with methionine.
Molecular consequence: missense variant.
Genome position (GRCh38, 1-based): chr19:53,904,725, G>A. VCF-style: chr19-53904725-G-A. GRCh37 (hg19) VCF-style: chr19-54407979-G-A.
Other names: c.1747G>A, p.Val583Met (NM_001316329.2); c.1747G>A (LRG_669t1); short protein forms V583M.
Identifiers: ClinVar variation 518306 (VCV000518306.29), dbSNP rs143513754, ClinGen allele CA9640689.

ClinVar aggregate classification (germline): Conflicting classifications of pathogenicity. Review status: criteria provided, conflicting classifications (1 of 4 stars). 6 submissions from 6 submitters: Uncertain significance (3); Likely benign (2). 1 of the submissions does not count toward it. Last evaluated 2024-05-27.

Conditions:
Spinocerebellar ataxia type 14 (SCA14). Identifiers: Orphanet 98763, MedGen C1854369, MONDO:0011540, OMIM 605361.

Allele frequency attached by ClinVar (database versions not stated): gnomAD exomes 0.00011 and 0.00015; gnomAD 0.00014 and 0.00015; TOPMed 0.00014; ESP Exome Variant Server 0.00015; ExAC 0.00019; 1000 Genomes Project 0.00020; 1000 Genomes Project 30x 0.00031.
gnomAD v4.1: 231 of 1,613,692 alleles (0.014%); highest among the groups gnomAD compares: Non-Finnish European, 0.018%; no homozygotes.

Submissions (6):

Blueprint Genetics
Classification: Uncertain significance. Last evaluated: 2024-05-27. Review status: criteria provided, single submitter. Criteria: ACMG Guidelines, 2015. Collection method: clinical testing. Allele origin: germline.

CeGaT Center for Human Genetics Tuebingen
Classification: Likely benign. Last evaluated: 2023-05-01. Review status: criteria provided, single submitter. Criteria: CeGaT Center For Human Genetics Tuebingen Variant Classification Criteria Version 2. Collection method: clinical testing. Allele origin: germline. Affected: yes. Observed: 1 variant allele.
Comment: PRKCG: PP2, BS2

Athena Diagnostics
Classification: Likely benign. Last evaluated: 2019-12-27. Review status: criteria provided, single submitter. Criteria: Athena Diagnostics Criteria. Collection method: clinical testing. Allele origin: unknown.

CENTOGENE GmbH and LLC - Guiding Precision Medicine
Classification: Uncertain significance for Spinocerebellar ataxia type 14. Last evaluated: 2019-11-21. Review status: criteria provided, single submitter. Criteria: ACMG Guidelines, 2015. Collection method: clinical testing. Allele origin: germline.

Clinical Genetics DNA and cytogenetics Diagnostics Lab, Erasmus MC, Erasmus Medical Center
Classification: Uncertain significance for Spinocerebellar ataxia type 14. Last evaluated: 2015-11-23. Review status: criteria provided, single submitter. Criteria: ACGS Guidelines, 2013. Collection method: clinical testing. Allele origin: germline. Affected: yes. Study: VKGL Data-share Consensus.

Diagnostic Laboratory, Department of Genetics, University Medical Center Groningen
Classification: Uncertain significance for Spinocerebellar ataxia type 14. Review status: no assertion criteria provided. Collection method: clinical testing. Allele origin: germline. Affected: yes. Study: VKGL Data-share Consensus. Not counted in ClinVar's aggregate classification.